The following is an entry in ClinVar:

ClinVar aggregate classification (germline): Uncertain significance. Review status: criteria provided, single submitter (1 of 4 stars). 2 submissions from 2 submitters: Uncertain significance (1). 1 of the submissions does not count toward it. Last evaluated 2024-03-10.

Conditions:
Dyskeratosis congenita, autosomal recessive 5 (DKCB5). Identifiers: MedGen C3554656, MONDO:0014076, OMIM 615190.
Pulmonary fibrosis and/or bone marrow failure, Telomere-related, 3. Also called: PULMONARY FIBROSIS AND/OR BONE MARROW FAILURE SYNDROME, TELOMERE-RELATED, 3. Identifiers: Orphanet 2032, MedGen C4225346, MONDO:0014613, OMIM 616373.
Dyskeratosis congenita. Identifiers: Orphanet 1775, MedGen C0265965, MONDO:0015780.

Allele frequency attached by ClinVar (database versions not stated): gnomAD 0.00001; gnomAD exomes 0.00001; TOPMed 0.00001.
gnomAD v4.1: 22 of 1,590,166 alleles (0.0014%); highest among the groups gnomAD compares: Non-Finnish European, 0.0018%; no homozygotes.

Submissions (2):

Labcorp Genetics (formerly Invitae), Labcorp
Classification: Uncertain significance for Dyskeratosis congenita, autosomal recessive 5; Pulmonary fibrosis and/or bone marrow failure, Telomere-related, 3. Last evaluated: 2024-03-10. Review status: criteria provided, single submitter. Criteria: Invitae Variant Classification Sherloc (09022015). Collection method: clinical testing. Allele origin: germline.
Comment: This sequence change falls in intron 34 of the RTEL1 gene. It does not directly change the encoded amino acid sequence of the RTEL1 protein. It affects a nucleotide within the consensus splice site. The frequency data for this variant in the population databases is considered unreliable, as metrics indicate poor data quality at this position in the gnomAD database. This variant has not been reported in the literature in individuals affected with RTEL1-related conditions. ClinVar contains an entry for this variant (Variation ID: 935137). Variants that disrupt the consensus splice site are a relatively common cause of aberrant splicing (PMID: 17576681, 9536098). Algorithms developed to predict the effect of sequence changes on RNA splicing suggest that this variant is not likely to affect RNA splicing. In summary, the available evidence is currently insufficient to determine the role of this variant in disease. Therefore, it has been classified as a Variant of Uncertain Significance.

Natera, Inc.
Classification: Uncertain significance for Dyskeratosis congenita. Last evaluated: 2020-04-01. Review status: no assertion criteria provided. Collection method: clinical testing. Allele origin: germline. Not counted in ClinVar's aggregate classification.

Literature cited by the submitters: PubMed 17576681 (cited by Labcorp Genetics (formerly Invitae), Labcorp); PubMed 9536098 (cited by Labcorp Genetics (formerly Invitae), Labcorp).

NM_001283009.2(RTEL1):c.3823-3C>T

Genes: RTEL1-TNFRSF6B (RTEL1-TNFRSF6B readthrough (NMD candidate); plus strand), RTEL1 (regulator of telomere elongation helicase 1; plus strand). Cytogenetic location: 20q13.33.
Variant type: single nucleotide variant.
Coding change: c.3823-3C>T on transcript NM_001283009.2 (MANE Select); 3 bases into the intron before coding-DNA position 3823, C replaced by T.
Molecular consequence: intron variant.
Genome position (GRCh38, 1-based): chr20:63,695,775, C>T. VCF-style: chr20-63695775-C-T. GRCh37 (hg19) VCF-style: chr20-62327128-C-T.
Other names: c.2984-3C>T (NM_001283010.1); c.3725-3C>T (NM_032957.5); c.3653-3C>T (NM_016434.4).
Identifiers: ClinVar variation 935137 (VCV000935137.8), dbSNP rs1242643276, ClinGen allele CA636615370.